The following is an entry in ClinVar:

NM_001291303.3(FAT4):c.5043T>C (p.Phe1681=)

Gene: FAT4 (FAT atypical cadherin 4; plus strand). Cytogenetic location: 4q28.1.
Variant type: single nucleotide variant.
Coding change: c.5043T>C on transcript NM_001291303.3 (MANE Select); coding-DNA position 5043, T replaced by C.
Protein change: p.Phe1681=; no amino-acid change (phenylalanine 1681 retained).
Molecular consequence: synonymous variant. On other transcripts: intron variant (1).
Genome position (GRCh38, 1-based): chr4:125,321,454, T>C. VCF-style: chr4-125321454-T-C. GRCh37 (hg19) VCF-style: chr4-126242609-T-C.
Other names: c.5043T>C, p.Phe1681= (NM_001291285.3, NM_001438396.1, NM_001438397.1 and 1 more transcripts); c.-55+5477T>C (NM_001437895.1).
Identifiers: ClinVar variation 4873977 (VCV004873977.2).

ClinVar aggregate classification (germline): Likely benign (1 of 4 stars; one submission).

gnomAD v4.1: 3 of 1,614,138 alleles (0.00019%); highest among the groups gnomAD compares: Admixed American, 0.0017%; no homozygotes.

Submission:

CeGaT Center for Human Genetics Tuebingen
Classification: Likely benign. Last evaluated: 2026-06-01. Review status: criteria provided, single submitter. Criteria: CeGaT Center For Human Genetics Tuebingen Variant Classification Criteria Version 2. Collection method: clinical testing. Allele origin: germline. Affected: yes. Observed: 1 variant allele.
Comment: FAT4: BP4, BP7